The following is an entry in ClinVar:

ClinVar aggregate classification (germline): Uncertain significance (1 of 4 stars; one submission).

Conditions:
Curry-Hall syndrome (WAD). Also called: WEYERS ACRODENTAL DYSOSTOSIS. Identifiers: Orphanet 952, MedGen C0457013, MONDO:0008673, OMIM 193530.
Ellis-van Creveld syndrome (EVC). Also called: Chondroectodermal dysplasia; MESOECTODERMAL DYSPLASIA; EVC-Related Ellis-van Creveld Syndrome; EVC2-Related Ellis-van Creveld Syndrome. Identifiers: Orphanet 289, MedGen C0013903, MONDO:0009162, OMIM 225500.

Allele frequency attached by ClinVar (database versions not stated): gnomAD 0.00001.
gnomAD v4.1: 2 of 1,613,734 alleles (0.00012%); highest among the groups gnomAD compares: Admixed American, 0.0017%; no homozygotes.

Submission:

Labcorp Genetics (formerly Invitae), Labcorp
Classification: Uncertain significance for Curry-Hall syndrome; Ellis-van Creveld syndrome. Last evaluated: 2022-04-25. Review status: criteria provided, single submitter. Criteria: Invitae Variant Classification Sherloc (09022015). Collection method: clinical testing. Allele origin: germline.
Comment: This sequence change replaces aspartic acid, which is acidic and polar, with glycine, which is neutral and non-polar, at codon 312 of the EVC protein (p.Asp312Gly). This variant is present in population databases (no rsID available, gnomAD 0.1%). This variant has not been reported in the literature in individuals affected with EVC-related conditions. Algorithms developed to predict the effect of missense changes on protein structure and function output the following: SIFT: "Tolerated"; PolyPhen-2: "Benign"; Align-GVGD: "Class C0". The glycine amino acid residue is found in multiple mammalian species, which suggests that this missense change does not adversely affect protein function. Algorithms developed to predict the effect of sequence changes on RNA splicing suggest that this variant may create or strengthen a splice site. In summary, the available evidence is currently insufficient to determine the role of this variant in disease. Therefore, it has been classified as a Variant of Uncertain Significance.

NM_153717.3(EVC):c.935A>G (p.Asp312Gly)

Gene: EVC (EvC ciliary complex subunit 1; plus strand). Cytogenetic location: 4p16.2.
Variant type: single nucleotide variant.
Coding change: c.935A>G on transcript NM_153717.3 (MANE Select); coding-DNA position 935, A replaced by G.
Protein change: p.Asp312Gly; replaces aspartic acid 312 with glycine.
Molecular consequence: missense variant.
Genome position (GRCh38, 1-based): chr4:5,745,337, A>G. VCF-style: chr4-5745337-A-G. GRCh37 (hg19) VCF-style: chr4-5747064-A-G.
Other names: c.935A>G, p.Asp312Gly (NM_001306090.2, NM_001306092.2); short protein forms D312G.
Identifiers: ClinVar variation 1982614 (VCV001982614.1), dbSNP rs1396392046, ClinGen allele CA356150214.